The following is an entry in ClinVar:

NM_007335.4(DLEC1):c.865C>A (p.Pro289Thr)

Gene: DLEC1 (DLEC1 cilia and flagella associated protein; plus strand). Cytogenetic location: 3p22.2.
Variant type: single nucleotide variant.
Coding change: c.865C>A on transcript NM_007335.4 (MANE Select); coding-DNA position 865, C replaced by A.
Protein change: p.Pro289Thr; replaces proline 289 with threonine.
Molecular consequence: missense variant.
Genome position (GRCh38, 1-based): chr3:38,062,360, C>A. VCF-style: chr3-38062360-C-A. GRCh37 (hg19) VCF-style: chr3-38103851-C-A.
Other names: c.865C>A, p.Pro289Thr (NM_001321153.2, NM_007337.4); short protein forms P289T.
Identifiers: ClinVar variation 1031733 (VCV001031733.1), dbSNP rs776704507, ClinGen allele CA2313823.

ClinVar aggregate classification (germline): Uncertain significance (1 of 4 stars; one submission).

Conditions:
Malignant tumor of esophagus. Also called: Esophageal cancer; Esophageal cancer, somatic. Identifiers: Orphanet 99977, MedGen C0546837, MONDO:0007576, OMIM 133239.

Allele frequency attached by ClinVar (database versions not stated): gnomAD exomes below 0.00001 and 0.00001; TOPMed below 0.00001; ExAC 0.00002.
gnomAD v4.1: 6 of 1,614,148 alleles (0.00037%); highest among the groups gnomAD compares: Middle Eastern, 0.033%; no homozygotes.

Submission:

Baylor Genetics
Classification: Uncertain significance for Malignant tumor of esophagus. Last evaluated: 2018-02-16. Review status: criteria provided, single submitter. Criteria: ACMG Guidelines, 2015. Collection method: clinical testing. Allele origin: unknown. Affected: yes.
Comment: This variant was determined to be of uncertain significance according to ACMG Guidelines, 2015 [PMID:25741868].